The following is an entry in ClinVar:

ClinVar aggregate classification (germline): Uncertain significance (1 of 4 stars; one submission).

Conditions:
Gorlin syndrome. Also called: Basal cell nevus syndrome; Nevoid Basal Cell Carcinoma Syndrome. Identifiers: Orphanet 377, MedGen C0004779, MONDO:0007187.

Allele frequency attached by ClinVar (database versions not stated): ExAC 0.00001.

Submission:

Labcorp Genetics (formerly Invitae), Labcorp
Classification: Uncertain significance for Gorlin syndrome. Last evaluated: 2023-01-30. Review status: criteria provided, single submitter. Criteria: Invitae Variant Classification Sherloc (09022015). Collection method: clinical testing. Allele origin: germline.
Comment: In summary, the available evidence is currently insufficient to determine the role of this variant in disease. Therefore, it has been classified as a Variant of Uncertain Significance. Advanced modeling of protein sequence and biophysical properties (such as structural, functional, and spatial information, amino acid conservation, physicochemical variation, residue mobility, and thermodynamic stability) performed at Invitae indicates that this missense variant is not expected to disrupt PTCH1 protein function. This variant has not been reported in the literature in individuals affected with PTCH1-related conditions. The frequency data for this variant in the population databases is considered unreliable, as metrics indicate poor data quality at this position in the gnomAD database. This sequence change replaces alanine, which is neutral and non-polar, with serine, which is neutral and polar, at codon 1118 of the PTCH1 protein (p.Ala1118Ser).

NM_000264.5(PTCH1):c.3352G>T (p.Ala1118Ser)

Gene: PTCH1 (patched 1; minus strand). Cytogenetic location: 9q22.32.
Variant type: single nucleotide variant.
Coding change: c.3352G>T on transcript NM_000264.5 (MANE Select); coding-DNA position 3352, G replaced by T.
Protein change: p.Ala1118Ser; replaces alanine 1118 with serine.
Molecular consequence: missense variant. On other transcripts: non-coding transcript variant (1).
Genome position (GRCh38, 1-based): chr9:95,453,575, C>A on the plus strand (G>T on the coding strand, the complement: PTCH1 is on the minus strand). VCF-style: chr9-95453575-C-A. GRCh37 (hg19) VCF-style: chr9-98215857-C-A.
Other names: c.3154G>T, p.Ala1052Ser (NM_001083602.3); c.3349G>T, p.Ala1117Ser (NM_001083603.3); c.2899G>T, p.Ala967Ser (NM_001083604.3, NM_001083605.3, NM_001083606.3 and 1 more transcripts); c.3196G>T, p.Ala1066Ser (NM_001354918.2); short protein forms A1066S, A1052S, A1117S, A967S, A1118S.
Identifiers: ClinVar variation 2098194 (VCV002098194.4), dbSNP rs754222483, ClinGen allele CA5138164.
Genomic context (GRCh38, chr9:95,453,575, plus strand): 5'-GCACTCCCAGCAGAGTGGACACGGCGCCATCCAGGACGGGTGCAAACATGTGCTCCAGGG[C>A]AAGCACAGCCCTGCGGTTCTTGTCGCCGATGGCCGTCAGAAAGGCCTGTGCAATGAGGAT-3'
Protein context (NP_000255.2, residues 1108-1128): IGDKNRRAVL[Ala1118Ser]LEHMFAPVLD